The following is an entry in ClinVar:

NM_001077653.2(TBX20):c.146C>T (p.Ser49Leu)

Gene: TBX20 (T-box transcription factor 20; minus strand). Cytogenetic location: 7p14.2.
Variant type: single nucleotide variant.
Coding change: c.146C>T on transcript NM_001077653.2 (MANE Select); coding-DNA position 146, C replaced by T.
Protein change: p.Ser49Leu; replaces serine 49 with leucine.
Molecular consequence: missense variant.
Genome position (GRCh38, 1-based): chr7:35,250,185, G>A on the plus strand (C>T on the coding strand, the complement: TBX20 is on the minus strand). VCF-style: chr7-35250185-G-A. GRCh37 (hg19) VCF-style: chr7-35289797-G-A.
Other names: c.146C>T, p.Ser49Leu (NM_001166220.1); short protein forms S49L.
Identifiers: ClinVar variation 3642796 (VCV003642796.2).

ClinVar aggregate classification (germline): Uncertain significance (1 of 4 stars; one submission).

gnomAD v4.1: 2 of 1,613,902 alleles (0.00012%); highest among the groups gnomAD compares: Admixed American, 0.0017%; no homozygotes.

Submission:

Labcorp Genetics (formerly Invitae), Labcorp
Classification: Uncertain significance. Last evaluated: 2024-05-22. Review status: criteria provided, single submitter. Criteria: Invitae Variant Classification Sherloc (09022015). Collection method: clinical testing. Allele origin: germline.
Comment: This sequence change replaces serine, which is neutral and polar, with leucine, which is neutral and non-polar, at codon 49 of the TBX20 protein (p.Ser49Leu). This variant is present in population databases (rs778353825, gnomAD 0.003%). This variant has not been reported in the literature in individuals affected with TBX20-related conditions. An algorithm developed to predict the effect of missense changes on protein structure and function (PolyPhen-2) suggests that this variant is likely to be tolerated. In summary, the available evidence is currently insufficient to determine the role of this variant in disease. Therefore, it has been classified as a Variant of Uncertain Significance.